The following is an entry in ClinVar:

NM_000875.5(IGF1R):c.2092C>T (p.Pro698Ser)

Gene: IGF1R (insulin like growth factor 1 receptor; plus strand). Cytogenetic location: 15q26.3.
Variant type: single nucleotide variant.
Coding change: c.2092C>T on transcript NM_000875.5 (MANE Select); coding-DNA position 2092, C replaced by T.
Protein change: p.Pro698Ser; replaces proline 698 with serine.
Molecular consequence: missense variant.
Genome position (GRCh38, 1-based): chr15:98,916,767, C>T. VCF-style: chr15-98916767-C-T. GRCh37 (hg19) VCF-style: chr15-99459996-C-T.
Other names: c.2092C>T, p.Pro698Ser (NM_001291858.2); short protein forms P698S.
Identifiers: ClinVar variation 3042851 (VCV003042851.2), dbSNP rs2151682932, ClinGen allele CA393680202.

ClinVar aggregate classification (germline): Uncertain significance (0 of 4 stars; one submission).

Conditions:
IGF1R-related disorder. Also called: IGF1R-related condition.

Submission:

PreventionGenetics, part of Exact Sciences
Classification: Uncertain significance for IGF1R-related condition. Last evaluated: 2024-07-11. Review status: no assertion criteria provided. Collection method: clinical testing. Allele origin: germline.
Comment: The IGF1R c.2092C>T variant is predicted to result in the amino acid substitution p.Pro698Ser. To our knowledge, this variant has not been reported in the literature or in a large population database, indicating this variant is rare. At this time, the clinical significance of this variant is uncertain due to the absence of conclusive functional and genetic evidence.